The following is an entry in ClinVar:

NM_032043.3(BRIP1):c.3305A>G (p.Asp1102Gly)

Gene: BRIP1 (BRCA1 interacting DNA helicase 1; minus strand). Cytogenetic location: 17q23.2.
Variant type: single nucleotide variant.
Coding change: c.3305A>G on transcript NM_032043.3 (MANE Select); coding-DNA position 3305, A replaced by G.
Protein change: p.Asp1102Gly; replaces aspartic acid 1102 with glycine.
Molecular consequence: missense variant.
Genome position (GRCh38, 1-based): chr17:61,683,741, T>C on the plus strand (A>G on the coding strand, the complement: BRIP1 is on the minus strand). VCF-style: chr17-61683741-T-C. GRCh37 (hg19) VCF-style: chr17-59761102-T-C.
Other names: short protein forms D1102G.
Identifiers: ClinVar variation 461146 (VCV000461146.17), dbSNP rs748140041, ClinGen allele CA8690371.

ClinVar aggregate classification (germline): Uncertain significance. Review status: criteria provided, multiple submitters, no conflicts (2 of 4 stars). 4 submissions from 4 submitters: Uncertain significance (4). Last evaluated 2025-02-04.

Conditions:
Hereditary cancer-predisposing syndrome. Also called: Hereditary neoplastic syndrome; Neoplastic Syndromes, Hereditary; Tumor predisposition; Hereditary Cancer Syndrome. Identifiers: Orphanet 140162, MedGen C0027672, MeSH D009386, MONDO:0015356.
Fanconi anemia complementation group J. Also called: BRIP1-Related Fanconi Anemia. Identifiers: Orphanet 84, MedGen C1836860, MONDO:0012187, OMIM 609054.
Familial cancer of breast. Also called: BREAST CANCER, FAMILIAL; hereditary breast carcinoma; Hereditary breast cancer. Identifiers: Orphanet 227535, MedGen C0346153, MONDO:0016419, OMIM 114480. Disease mechanism: loss of function.

Allele frequency attached by ClinVar (database versions not stated): gnomAD exomes below 0.00001 and 0.00001; ExAC 0.00001.
gnomAD v4.1: 3 of 1,614,184 alleles (0.00019%); highest among the groups gnomAD compares: Non-Finnish European, 0.00025%; no homozygotes.

Submissions (4):

Labcorp Genetics (formerly Invitae), Labcorp
Classification: Uncertain significance for Familial cancer of breast; Fanconi anemia complementation group J. Last evaluated: 2025-02-04. Review status: criteria provided, single submitter. Criteria: Invitae Variant Classification Sherloc (09022015). Collection method: clinical testing. Allele origin: germline.
Comment: This sequence change replaces aspartic acid, which is acidic and polar, with glycine, which is neutral and non-polar, at codon 1102 of the BRIP1 protein (p.Asp1102Gly). This variant is present in population databases (rs748140041, gnomAD 0.0009%). This variant has not been reported in the literature in individuals affected with BRIP1-related conditions. ClinVar contains an entry for this variant (Variation ID: 461146). Invitae Evidence Modeling of protein sequence and biophysical properties (such as structural, functional, and spatial information, amino acid conservation, physicochemical variation, residue mobility, and thermodynamic stability) indicates that this missense variant is not expected to disrupt BRIP1 protein function with a negative predictive value of 95%. In summary, the available evidence is currently insufficient to determine the role of this variant in disease. Therefore, it has been classified as a Variant of Uncertain Significance.

Women's Health and Genetics/Laboratory Corporation of America, LabCorp
Classification: Uncertain significance. Last evaluated: 2025-02-03. Review status: criteria provided, single submitter. Criteria: LabCorp Variant Classification Summary - May 2015. Collection method: clinical testing. Allele origin: germline.

Ambry Genetics
Classification: Uncertain significance for Hereditary cancer-predisposing syndrome. Last evaluated: 2024-09-13. Review status: criteria provided, single submitter. Criteria: Ambry Variant Classification Scheme 2023. Collection method: clinical testing. Allele origin: germline.
Comment: The p.D1102G variant (also known as c.3305A>G), located in coding exon 19 of the BRIP1 gene, results from an A to G substitution at nucleotide position 3305. The aspartic acid at codon 1102 is replaced by glycine, an amino acid with similar properties. This amino acid position is not well conserved in available vertebrate species. In addition, this alteration is predicted to be tolerated by in silico analysis. Since supporting evidence is limited at this time, the clinical significance of this alteration remains unclear.

Color Diagnostics, LLC DBA Color Health
Classification: Uncertain significance for Hereditary cancer-predisposing syndrome. Last evaluated: 2024-03-06. Review status: criteria provided, single submitter. Criteria: ACMG Guidelines, 2015. Collection method: clinical testing. Allele origin: germline.
Comment: This missense variant replaces aspartic acid with glycine at codon 1102 of the BRIP1 protein. Computational prediction suggests that this variant may not impact protein structure and function (internally defined REVEL score threshold <= 0.5, PMID: 27666373). Splice site prediction tools suggest that this variant may not impact RNA splicing. To our knowledge, functional studies have not been performed for this variant. This variant has not been reported in individuals affected with hereditary cancer in the literature. This variant has been identified in 1/250836 chromosomes in the general population by the Genome Aggregation Database (gnomAD). The available evidence is insufficient to determine the role of this variant in disease conclusively. Therefore, this variant is classified as a Variant of Uncertain Significance.